The following is an entry in ClinVar:

NM_020778.5(ALPK3):c.820G>A (p.Val274Met)

Gene: ALPK3 (alpha kinase 3; plus strand). Cytogenetic location: 15q25.3.
Variant type: single nucleotide variant.
Coding change: c.820G>A on transcript NM_020778.5 (MANE Select); coding-DNA position 820, G replaced by A.
Protein change: p.Val274Met; replaces valine 274 with methionine.
Molecular consequence: missense variant.
Genome position (GRCh38, 1-based): chr15:84,840,099, G>A. VCF-style: chr15-84840099-G-A. GRCh37 (hg19) VCF-style: chr15-85383330-G-A.
Other names: short protein forms V274M.
Identifiers: ClinVar variation 4700155 (VCV004700155.1).
Genomic context (GRCh38, chr15:84,840,099, plus strand): 5'-GAGACTGAGACTGCTCAGCACTCAGGTTTGGGCCTGATCAACAGTTTTGCTTCTGGAGAA[G>A]TGACCACCAACGGGGAGGCTGCCCCCGAGAATGGAGAGGACGGAGAGCATGGCTTGCTGA-3'
Protein context (NP_065829.4, residues 264-284): GLINSFASGE[Val274Met]TTNGEAAPEN

ClinVar aggregate classification (germline): Uncertain significance (1 of 4 stars; one submission).

Submission:

Labcorp Genetics (formerly Invitae), Labcorp
Classification: Uncertain significance. Last evaluated: 2025-09-16. Review status: criteria provided, single submitter. Criteria: Invitae Variant Classification Sherloc (09022015). Collection method: clinical testing. Allele origin: germline.
Comment: This sequence change replaces valine, which is neutral and non-polar, with methionine, which is neutral and non-polar, at codon 476 of the ALPK3 protein (p.Val476Met). This variant is not present in population databases (gnomAD no frequency). This variant has not been reported in the literature in individuals affected with ALPK3-related conditions. An algorithm developed to predict the effect of missense changes on protein structure and function (PolyPhen-2) suggests that this variant is likely to be disruptive. In summary, the available evidence is currently insufficient to determine the role of this variant in disease. Therefore, it has been classified as a Variant of Uncertain Significance.